The following is an entry in ClinVar:

ClinVar aggregate classification (germline): Uncertain significance (1 of 4 stars; one submission).

Submission:

Labcorp Genetics (formerly Invitae), Labcorp
Classification: Uncertain significance. Last evaluated: 2022-07-23. Review status: criteria provided, single submitter. Criteria: Invitae Variant Classification Sherloc (09022015). Collection method: clinical testing. Allele origin: germline.
Comment: In summary, the available evidence is currently insufficient to determine the role of this variant in disease. Therefore, it has been classified as a Variant of Uncertain Significance. Algorithms developed to predict the effect of missense changes on protein structure and function output the following: SIFT: "Tolerated"; PolyPhen-2: "Benign"; Align-GVGD: "Class C0". The valine amino acid residue is found in multiple mammalian species, which suggests that this missense change does not adversely affect protein function. This variant has not been reported in the literature in individuals affected with TRIM8-related conditions. This variant is not present in population databases (gnomAD no frequency). This sequence change replaces leucine, which is neutral and non-polar, with valine, which is neutral and non-polar, at codon 286 of the TRIM8 protein (p.Leu286Val).

NM_030912.3(TRIM8):c.856C>G (p.Leu286Val)

Gene: TRIM8 (tripartite motif containing 8; plus strand). Cytogenetic location: 10q24.32.
Variant type: single nucleotide variant.
Coding change: c.856C>G on transcript NM_030912.3 (MANE Select); coding-DNA position 856, C replaced by G.
Protein change: p.Leu286Val; replaces leucine 286 with valine.
Molecular consequence: missense variant. On other transcripts: non-coding transcript variant (1).
Genome position (GRCh38, 1-based): chr10:102,655,269, C>G. VCF-style: chr10-102655269-C-G. GRCh37 (hg19) VCF-style: chr10-104415026-C-G.
Other names: c.760C>G, p.Leu254Val (NM_001345950.1); short protein forms L286V, L254V.
Identifiers: ClinVar variation 2132724 (VCV002132724.4), dbSNP rs2492909451, ClinGen allele CA377929682.